The following is an entry in ClinVar:

NM_133642.5(LARGE1):c.615+246A>G

Gene: LARGE1 (LARGE xylosyl- and glucuronyltransferase 1; minus strand). Cytogenetic location: 22q12.3.
Variant type: single nucleotide variant.
Coding change: c.615+246A>G on transcript NM_133642.5 (MANE Select); 246 bases into the intron after coding-DNA position 615, A replaced by G.
Molecular consequence: intron variant.
Genome position (GRCh38, 1-based): chr22:33,604,189, T>C on the plus strand (A>G on the coding strand, the complement: LARGE1 is on the minus strand). VCF-style: chr22-33604189-T-C. GRCh37 (hg19) VCF-style: chr22-34000175-T-C.
Other names: c.615+246A>G (NM_001362953.2, NM_001362949.2, NM_001378627.1 and 7 more transcripts).
Identifiers: ClinVar variation 683016 (VCV000683016.1), dbSNP rs2239746, ClinGen allele CA14938951.

ClinVar aggregate classification (germline): Benign (1 of 4 stars; one submission).

Allele frequency attached by ClinVar (database versions not stated): TOPMed 0.25070; 1000 Genomes Project 30x 0.26015; gnomAD 0.26150 and 0.26336; 1000 Genomes Project 0.26238.
gnomAD v4.1: 40,111 of 152,102 alleles (26%); highest among the groups gnomAD compares: South Asian, 31%; 5,492 homozygotes.

Submission:

GeneDx
Classification: Benign. Last evaluated: 2018-06-14. Review status: criteria provided, single submitter. Criteria: GeneDx Variant Classification (06012015). Collection method: clinical testing. Allele origin: germline. Affected: yes.
Comment: This variant is considered likely benign or benign based on one or more of the following criteria: it is a conservative change, it occurs at a poorly conserved position in the protein, it is predicted to be benign by multiple in silico algorithms, and/or has population frequency not consistent with disease.